The following is an entry in ClinVar:

ClinVar aggregate classification (germline): Likely benign. Review status: criteria provided, multiple submitters, no conflicts (2 of 4 stars). 2 submissions from 2 submitters: Likely benign (2). Last evaluated 2024-05-28.

Allele frequency attached by ClinVar (database versions not stated): gnomAD exomes 0.00003; ExAC 0.00007; TOPMed 0.00012; gnomAD 0.00016; 1000 Genomes Project 0.00040; 1000 Genomes Project 30x 0.00062.
gnomAD v4.1: 73 of 1,613,718 alleles (0.0045%); highest among the groups gnomAD compares: African/African-American, 0.029%; no homozygotes.

Submissions (2):

Blueprint Genetics
Classification: Likely benign. Last evaluated: 2024-05-28. Review status: criteria provided, single submitter. Criteria: ACMG Guidelines, 2015. Collection method: clinical testing. Allele origin: germline.

CeGaT Center for Human Genetics Tuebingen
Classification: Likely benign. Last evaluated: 2024-02-01. Review status: criteria provided, single submitter. Criteria: CeGaT Center For Human Genetics Tuebingen Variant Classification Criteria Version 2. Collection method: clinical testing. Allele origin: germline. Affected: yes. Observed: 1 variant allele.
Comment: DPP6: BP4, BP7

NM_130797.4(DPP6):c.804C>T (p.Val268=)

Gene: DPP6 (dipeptidyl peptidase like 6; plus strand). Cytogenetic location: 7q36.2.
Variant type: single nucleotide variant.
Coding change: c.804C>T on transcript NM_130797.4 (MANE Select); coding-DNA position 804, C replaced by T.
Protein change: p.Val268=; no amino-acid change (valine 268 retained).
Molecular consequence: synonymous variant. On other transcripts: non-coding transcript variant (2).
Genome position (GRCh38, 1-based): chr7:154,727,808, C>T. VCF-style: chr7-154727808-C-T. GRCh37 (hg19) VCF-style: chr7-154519518-C-T.
Other names: c.612C>T, p.Val204= (NM_001039350.3, NM_001364501.2); c.483C>T, p.Val161= (NM_001290252.2); c.621C>T, p.Val207= (NM_001364497.2, NM_001364498.2, NM_001364499.2 and 1 more transcripts); c.618C>T, p.Val206= (NM_001936.5).
Identifiers: ClinVar variation 3026020 (VCV003026020.23), dbSNP rs559792643, ClinGen allele CA4583300.